The following is an entry in ClinVar:

ClinVar aggregate classification (germline): Uncertain significance (1 of 4 stars; one submission).

Conditions:
Microcephaly-intellectual disability-sensorineural hearing loss-epilepsy-abnormal muscle tone syndrome (NEDHSB). Also called: NEURODEVELOPMENTAL DISORDER WITH HEARING LOSS, SEIZURES, AND BRAIN ABNORMALITIES. Identifiers: Orphanet 457351, MedGen C4225276, MONDO:0014698, OMIM 616577.

Allele frequency attached by ClinVar (database versions not stated): ExAC 0.00002; gnomAD exomes 0.00002 and 0.00004; TOPMed 0.00002.
gnomAD v4.1: 35 of 1,613,922 alleles (0.0022%); highest among the groups gnomAD compares: East Asian, 0.0067%; no homozygotes.

Submission:

Labcorp Genetics (formerly Invitae), Labcorp
Classification: Uncertain significance for Microcephaly-intellectual disability-sensorineural hearing loss-epilepsy-abnormal muscle tone syndrome. Last evaluated: 2021-08-27. Review status: criteria provided, single submitter. Criteria: Invitae Variant Classification Sherloc (09022015). Collection method: clinical testing. Allele origin: germline.
Comment: This sequence change replaces arginine with tryptophan at codon 529 of the SPATA5 protein (p.Arg529Trp). The arginine residue is highly conserved and there is a moderate physicochemical difference between arginine and tryptophan. This variant is present in population databases (rs755548599, ExAC 0.02%). This variant has not been reported in the literature in individuals affected with SPATA5-related conditions. Algorithms developed to predict the effect of missense changes on protein structure and function are either unavailable or do not agree on the potential impact of this missense change (SIFT: "Deleterious"; PolyPhen-2: "Benign"; Align-GVGD: "Class C65"). In summary, the available evidence is currently insufficient to determine the role of this variant in disease. Therefore, it has been classified as a Variant of Uncertain Significance.

NM_145207.3(AFG2A):c.1585C>T (p.Arg529Trp)

Gene: AFG2A (AFG2 AAA ATPase homolog A; plus strand). Cytogenetic location: 4q28.1.
Variant type: single nucleotide variant.
Coding change: c.1585C>T on transcript NM_145207.3 (MANE Select); coding-DNA position 1585, C replaced by T.
Protein change: p.Arg529Trp; replaces arginine 529 with tryptophan.
Molecular consequence: missense variant.
Genome position (GRCh38, 1-based): chr4:122,947,359, C>T. VCF-style: chr4-122947359-C-T. GRCh37 (hg19) VCF-style: chr4-123868514-C-T.
Other names: c.1582C>T, p.Arg528Trp (NM_001317799.2, NM_001345856.2); short protein forms R529W, R528W.
Identifiers: ClinVar variation 844131 (VCV000844131.4), dbSNP rs755548599, ClinGen allele CA3070491.
Genomic context (GRCh38, chr4:122,947,359, plus strand): 5'-CTCCGAAGACCTGGGCGATTTGATAAAGAGATTGAGATTGGAGTTCCCAATGCTCAGGAC[C>T]GGCTAGATATTCTCCAGAAACTGCTTCGAAGGGTACCCCATTTGCTCACTGAGGCTGAGC-3'
Protein context (NP_660208.2, residues 519-539): IEIGVPNAQD[Arg529Trp]LDILQKLLRR